The following is an entry in ClinVar:

ClinVar aggregate classification (germline): Uncertain significance. Review status: criteria provided, multiple submitters, no conflicts (2 of 4 stars). 3 submissions from 3 submitters: Uncertain significance (3). Last evaluated 2022-04-11.

Conditions:
Achondrogenesis, type IA (ACG1A). Identifiers: Orphanet 932, Orphanet 93299, MedGen C0265273, MONDO:0008701, OMIM 200600.

Allele frequency attached by ClinVar (database versions not stated): gnomAD exomes 0.00008 and 0.00016; gnomAD 0.00015; ExAC 0.00018; TOPMed 0.00024; 1000 Genomes Project 0.00060; 1000 Genomes Project 30x 0.00062.
gnomAD v4.1: 144 of 1,614,154 alleles (0.0089%); highest among the groups gnomAD compares: Middle Eastern, 0.12%; no homozygotes.

Submissions (3):

Labcorp Genetics (formerly Invitae), Labcorp
Classification: Uncertain significance for Achondrogenesis, type IA. Last evaluated: 2022-04-11. Review status: criteria provided, single submitter. Criteria: Invitae Variant Classification Sherloc (09022015). Collection method: clinical testing. Allele origin: germline.
Comment: This sequence change replaces isoleucine, which is neutral and non-polar, with threonine, which is neutral and polar, at codon 919 of the TRIP11 protein (p.Ile919Thr). This variant is present in population databases (rs201417947, gnomAD 0.1%). This variant has not been reported in the literature in individuals affected with TRIP11-related conditions. ClinVar contains an entry for this variant (Variation ID: 314955). Algorithms developed to predict the effect of missense changes on protein structure and function are either unavailable or do not agree on the potential impact of this missense change (SIFT: "Not Available"; PolyPhen-2: "Benign"; Align-GVGD: "Not Available"). In summary, the available evidence is currently insufficient to determine the role of this variant in disease. Therefore, it has been classified as a Variant of Uncertain Significance.

GeneDx
Classification: Uncertain significance. Last evaluated: 2019-12-03. Review status: criteria provided, single submitter. Criteria: GeneDx Variant Classification Process June 2021. Collection method: clinical testing. Allele origin: germline. Affected: yes.
Comment: In silico analysis, which includes protein predictors and evolutionary conservation, supports that this variant does not alter protein structure/function; Has not been previously published as pathogenic or benign to our knowledge

Illumina Laboratory Services, Illumina
Classification: Uncertain significance for Achondrogenesis, type IA. Last evaluated: 2018-01-13. Review status: criteria provided, single submitter. Criteria: ICSL Variant Classification Criteria 13 December 2019. Collection method: clinical testing. Allele origin: germline.

NM_004239.4(TRIP11):c.2756T>C (p.Ile919Thr)

Gene: TRIP11 (thyroid hormone receptor interactor 11; minus strand). Cytogenetic location: 14q32.12.
Variant type: single nucleotide variant.
Coding change: c.2756T>C on transcript NM_004239.4 (MANE Select); coding-DNA position 2756, T replaced by C.
Protein change: p.Ile919Thr; replaces isoleucine 919 with threonine.
Molecular consequence: missense variant.
Genome position (GRCh38, 1-based): chr14:92,005,220, A>G on the plus strand (T>C on the coding strand, the complement: TRIP11 is on the minus strand). VCF-style: chr14-92005220-A-G. GRCh37 (hg19) VCF-style: chr14-92471564-A-G.
Other names: c.2753T>C, p.Ile918Thr (NM_001321851.1); short protein forms I919T, I918T.
Identifiers: ClinVar variation 314955 (VCV000314955.7), dbSNP rs201417947, ClinGen allele CA7313726.
Genomic context (GRCh38, chr14:92,005,220, plus strand): 5'-TCCTTCTTTTGCTCTTGTAAAGACTGAAGTAGTTGCATCTTACTCTGGTTTTGATCTTCA[A>G]TTATCTTTTGATGATGTTTAATTTCCTCTTCAAGATGTTCCTTGATCGTGTTCAGTTGAG-3'
Protein context (NP_004230.2, residues 909-929): EEEIKHHQKI[Ile919Thr]EDQNQSKMQL